The following is an entry in ClinVar:

ClinVar aggregate classification (germline): Conflicting classifications of pathogenicity. Review status: criteria provided, conflicting classifications (1 of 4 stars). 2 submissions from 2 submitters: Uncertain significance (1); Likely benign (1). Last evaluated 2024-10-24.

Conditions:
Hereditary cancer-predisposing syndrome. Also called: Neoplastic Syndromes, Hereditary; Tumor predisposition; Hereditary Cancer Syndrome; Hereditary neoplastic syndrome. Identifiers: Orphanet 140162, MedGen C0027672, MeSH D009386, MONDO:0015356.
Bloom syndrome (BLM). Also called: Bloom-Torre-Machacek syndrome. Identifiers: Orphanet 125, MedGen C0005859, MONDO:0008876, OMIM 210900.

Submissions (2):

Labcorp Genetics (formerly Invitae), Labcorp
Classification: Uncertain significance for Bloom syndrome. Last evaluated: 2024-10-24. Review status: criteria provided, single submitter. Criteria: Invitae Variant Classification Sherloc (09022015). Collection method: clinical testing. Allele origin: germline.
Comment: This sequence change replaces leucine, which is neutral and non-polar, with proline, which is neutral and non-polar, at codon 353 of the BLM protein (p.Leu353Pro). This variant is not present in population databases (gnomAD no frequency). This variant has not been reported in the literature in individuals affected with BLM-related conditions. ClinVar contains an entry for this variant (Variation ID: 1779248). Invitae Evidence Modeling of protein sequence and biophysical properties (such as structural, functional, and spatial information, amino acid conservation, physicochemical variation, residue mobility, and thermodynamic stability) indicates that this missense variant is not expected to disrupt BLM protein function with a negative predictive value of 80%. In summary, the available evidence is currently insufficient to determine the role of this variant in disease. Therefore, it has been classified as a Variant of Uncertain Significance.

Ambry Genetics
Classification: Likely benign for Hereditary cancer-predisposing syndrome. Last evaluated: 2022-09-01. Review status: criteria provided, single submitter. Criteria: Ambry Variant Classification Scheme 2023. Collection method: clinical testing. Allele origin: germline.

NM_000057.4(BLM):c.1058T>C (p.Leu353Pro)

Gene: BLM (BLM RecQ like helicase; plus strand). Cytogenetic location: 15q26.1.
Variant type: single nucleotide variant.
Coding change: c.1058T>C on transcript NM_000057.4 (MANE Select); coding-DNA position 1058, T replaced by C.
Protein change: p.Leu353Pro; replaces leucine 353 with proline.
Molecular consequence: missense variant. On other transcripts: 5 prime UTR variant (1).
Genome position (GRCh38, 1-based): chr15:90,754,909, T>C. VCF-style: chr15-90754909-T-C. GRCh37 (hg19) VCF-style: chr15-91298139-T-C.
Other names: c.1058T>C, p.Leu353Pro (NM_001287246.2, NM_001287247.2); c.-234T>C (NM_001287248.2); short protein forms L353P.
Identifiers: ClinVar variation 1779248 (VCV001779248.4), dbSNP rs2505407341, ClinGen allele CA393842202.
Genomic context (GRCh38, chr15:90,754,909, plus strand): 5'-ATGTTCTTAGCACATCAAAAGATCTTTTGTCAAAACCTGAGAAAATGAGTATGCAGGAGC[T>C]GAATCCAGAAACCAGCACAGACTGTGACGGTACAAGCAATATTTTAGACATACCATGTAT-3'
Protein context (NP_000048.1, residues 343-363): SKPEKMSMQE[Leu353Pro]NPETSTDCDA